The following is an entry in ClinVar:

NM_000280.4(PAX6):c.*2985G>A

Genes: ELP4 (elongator acetyltransferase complex subunit 4; plus strand), PAX6 (paired box 6; minus strand). Cytogenetic location: 11p13.
Variant type: single nucleotide variant.
Coding change: c.*2985G>A on transcript NM_000280.4; 2985 bases downstream of the stop codon, G replaced by A.
Molecular consequence: 3 prime UTR variant (on NM_019040.5).
Genome position (GRCh38, 1-based): chr11:31,786,949, C>T on the plus strand (G>A on the coding strand, the complement: PAX6 is on the minus strand). VCF-style: chr11-31786949-C-T. GRCh37 (hg19) VCF-style: chr11-31808497-C-T.
Other names: c.*3411C>T (NM_001288725.2); c.*3520C>T (NM_001288726.2); c.*3425C>T (NM_019040.5).
Identifiers: ClinVar variation 304313 (VCV000304313.9), dbSNP rs3026399, ClinGen allele CA10638289.

ClinVar aggregate classification (germline): Benign/Likely benign. Review status: criteria provided, multiple submitters, no conflicts (2 of 4 stars). 6 submissions from 2 submitters: Benign (4); Likely benign (2). Last evaluated 2021-05-15.

Conditions:
Anophthalmia-microphthalmia syndrome. Also called: Anophthalmia/Microphthalmia; Anophthalmia - microphthalmia. Identifiers: Orphanet 98555, MedGen C5680330, MONDO:0020147.
Autosomal dominant keratitis. Also called: Keratitis, hereditary. Identifiers: Orphanet 2334, MedGen C1835698, MONDO:0007848, OMIM 148190.
11p partial monosomy syndrome (WAGR). Also called: WAGR Spectrum Disorder; WAGR syndrome; WAGR Complex; CHROMOSOME 11p13 DELETION SYNDROME. Identifiers: Orphanet 893, MedGen C0206115, MONDO:0008681, OMIM 194072.
Foveal hypoplasia 1. Also called: FOVEAL HYPOPLASIA 1 WITH OR WITHOUT ANTERIOR SEGMENT ANOMALIES AND/OR CATARACT; FOVEAL HYPOPLASIA 1 WITH ANTERIOR SEGMENT ANOMALIES. Identifiers: Orphanet 2253, MedGen C3805604, MONDO:0007628, OMIM 136520.
carboxymethyl-dextran-A2-gadolinium-DOTA.

Allele frequency attached by ClinVar (database versions not stated): gnomAD 0.00813 and 0.00879; 1000 Genomes Project 30x 0.00718; TOPMed 0.00875; 1000 Genomes Project 0.00699; gnomAD exomes 0.01089.
gnomAD v4.1: 2,099 of 219,562 alleles (0.96%); highest among the groups gnomAD compares: Middle Eastern, 3.5%; 21 homozygotes.

Submissions (6):

GeneDx
Classification: Likely benign. Last evaluated: 2021-05-15. Review status: criteria provided, single submitter. Criteria: GeneDx Variant Classification Process June 2021. Collection method: clinical testing. Allele origin: germline. Affected: yes.

Illumina Laboratory Services, Illumina
Classification: Benign for Autosomal dominant keratitis. Last evaluated: 2018-01-12. Review status: criteria provided, single submitter. Criteria: ICSL Variant Classification Criteria 13 December 2019. Collection method: clinical testing. Allele origin: germline.
Comment: This variant was observed in the ICSL laboratory as part of a predisposition screen in an ostensibly healthy population. It had not been previously curated by ICSL or reported in the Human Gene Mutation Database (HGMD: prior to June 1st, 2018), and was therefore a candidate for classification through an automated scoring system. Utilizing variant allele frequency, disease prevalence and penetrance estimates, and inheritance mode, an automated score was calculated to assess if this variant is too frequent to cause the disease. Based on the score and internal cut-off values, a variant classified as benign is not then subjected to further curation. The score for this variant resulted in a classification of benign for this disease.

Illumina Laboratory Services, Illumina
Classification: Likely benign for Anophthalmia-microphthalmia syndrome. Last evaluated: 2018-01-12. Review status: criteria provided, single submitter. Criteria: ICSL Variant Classification Criteria 13 December 2019. Collection method: clinical testing. Allele origin: germline.
Comment: This variant was observed in the ICSL laboratory as part of a predisposition screen in an ostensibly healthy population. It had not been previously curated by ICSL or reported in the Human Gene Mutation Database (HGMD: prior to June 1st, 2018), and was therefore a candidate for classification through an automated scoring system. Utilizing variant allele frequency, disease prevalence and penetrance estimates, and inheritance mode, an automated score was calculated to assess if this variant is too frequent to cause the disease. Based on the score and internal cut-off values, a variant classified as likely benign is not then subjected to further curation. The score for this variant resulted in a classification of likely benign for this disease.

Illumina Laboratory Services, Illumina
Classification: Benign for carboxymethyl-dextran-A2-gadolinium-DOTA. Last evaluated: 2018-01-12. Review status: criteria provided, single submitter. Criteria: ICSL Variant Classification Criteria 13 December 2019. Collection method: clinical testing. Allele origin: germline.
Comment: the same text as in the submission from Illumina Laboratory Services, Illumina above.

Illumina Laboratory Services, Illumina
Classification: Benign for Foveal hypoplasia 1. Last evaluated: 2018-01-12. Review status: criteria provided, single submitter. Criteria: ICSL Variant Classification Criteria 13 December 2019. Collection method: clinical testing. Allele origin: germline.
Comment: the same text as in the submission from Illumina Laboratory Services, Illumina above.

Illumina Laboratory Services, Illumina
Classification: Benign for Wilms tumor, aniridia, genitourinary anomalies, and mental retardation syndrome. Last evaluated: 2018-01-12. Review status: criteria provided, single submitter. Criteria: ICSL Variant Classification Criteria 13 December 2019. Collection method: clinical testing. Allele origin: germline.
Comment: the same text as in the submission from Illumina Laboratory Services, Illumina above.